The following is an entry in ClinVar:

ClinVar aggregate classification (germline): Uncertain significance (1 of 4 stars; one submission).

Submission:

GeneDx
Classification: Uncertain significance. Last evaluated: 2022-09-12. Review status: criteria provided, single submitter. Criteria: GeneDx Variant Classification Process June 2021. Collection method: clinical testing. Allele origin: germline. Affected: yes.
Comment: Not observed in large population cohorts (gnomAD); In silico analysis supports that this variant does not alter splicing; Has not been previously published as pathogenic or benign to our knowledge

NM_080680.3(COL11A2):c.2169+4A>G

Gene: COL11A2 (collagen type XI alpha 2 chain; minus strand). Cytogenetic location: 6p21.32.
Variant type: single nucleotide variant.
Coding change: c.2169+4A>G on transcript NM_080680.3 (MANE Select); 4 bases into the intron after coding-DNA position 2169, A replaced by G.
Molecular consequence: intron variant.
Genome position (GRCh38, 1-based): chr6:33,176,429, T>C on the plus strand (A>G on the coding strand, the complement: COL11A2 is on the minus strand). VCF-style: chr6-33176429-T-C. GRCh37 (hg19) VCF-style: chr6-33144206-T-C.
Other names: c.1848+4A>G (NM_080679.3); c.1911+4A>G (NM_080681.3).
Identifiers: ClinVar variation 1704986 (VCV001704986.2), dbSNP rs2535089621, ClinGen allele CA2580074345.